The following is an entry in ClinVar:

ClinVar aggregate classification (germline): Uncertain significance (1 of 4 stars; one submission).

Submission:

CeGaT Center for Human Genetics Tuebingen
Classification: Uncertain significance. Last evaluated: 2023-04-01. Review status: criteria provided, single submitter. Criteria: CeGaT Center For Human Genetics Tuebingen Variant Classification Criteria Version 2. Collection method: clinical testing. Allele origin: germline. Affected: yes. Observed: 1 variant allele.
Comment: MYH2: PM2:Supporting, BP4

NM_017534.6(MYH2):c.1389G>A (p.Leu463=)

Genes: MYH2 (myosin heavy chain 2; minus strand), MYHAS (myosin heavy chain gene cluster antisense RNA; plus strand). Cytogenetic location: 17p13.1.
Variant type: single nucleotide variant.
Coding change: c.1389G>A on transcript NM_017534.6 (MANE Select); coding-DNA position 1389, G replaced by A.
Protein change: p.Leu463=; no amino-acid change (leucine 463 retained).
Molecular consequence: synonymous variant.
Genome position (GRCh38, 1-based): chr17:10,539,232, C>T on the plus strand (G>A on the coding strand, the complement: MYH2 is on the minus strand). VCF-style: chr17-10539232-C-T. GRCh37 (hg19) VCF-style: chr17-10442549-C-T.
Other names: c.1389G>A, p.Leu463= (NM_001100112.2).
Identifiers: ClinVar variation 2570975 (VCV002570975.27), dbSNP rs2508456563, ClinGen allele CA497862729.